The following is an entry in ClinVar:

NM_001170629.2(CHD8):c.338C>T (p.Ser113Leu)

Gene: CHD8 (chromodomain helicase DNA binding protein 8; minus strand). Cytogenetic location: 14q11.2.
Variant type: single nucleotide variant.
Coding change: c.338C>T on transcript NM_001170629.2 (MANE Select); coding-DNA position 338, C replaced by T.
Protein change: p.Ser113Leu; replaces serine 113 with leucine.
Molecular consequence: missense variant. On other transcripts: intron variant (1).
Genome position (GRCh38, 1-based): chr14:21,431,306, G>A on the plus strand (C>T on the coding strand, the complement: CHD8 is on the minus strand). VCF-style: chr14-21431306-G-A. GRCh37 (hg19) VCF-style: chr14-21899465-G-A.
Other names: c.6+505C>T (NM_020920.4); short protein forms S113L.
Identifiers: ClinVar variation 521546 (VCV000521546.42), dbSNP rs530700201, ClinGen allele CA7091971.

ClinVar aggregate classification (germline): Conflicting classifications of pathogenicity. Review status: criteria provided, conflicting classifications (1 of 4 stars). 6 submissions from 6 submitters: Uncertain significance (2); Likely benign (4). Last evaluated 2026-01-15.

Conditions:
Complex neurodevelopmental disorder. Identifiers: Orphanet 528084, MedGen C5568766, MONDO:0100038.
Inborn genetic diseases. Identifiers: MedGen C0950123, MeSH D030342.

Allele frequency attached by ClinVar (database versions not stated): TOPMed 0.00002; ExAC 0.00004; gnomAD 0.00004; gnomAD exomes 0.00004; 1000 Genomes Project 0.00040; 1000 Genomes Project 30x 0.00047.
gnomAD v4.1: 62 of 1,555,372 alleles (0.004%); highest among the groups gnomAD compares: Admixed American, 0.023%; no homozygotes.

Submissions (6):

Labcorp Genetics (formerly Invitae), Labcorp
Classification: Likely benign. Last evaluated: 2026-01-15. Review status: criteria provided, single submitter. Criteria: Invitae Variant Classification Sherloc (09022015). Collection method: clinical testing. Allele origin: germline.

CeGaT Center for Human Genetics Tuebingen
Classification: Likely benign. Last evaluated: 2026-01-01. Review status: criteria provided, single submitter. Criteria: CeGaT Center For Human Genetics Tuebingen Variant Classification Criteria Version 2. Collection method: clinical testing. Allele origin: germline. Affected: yes. Observed: 2 variant alleles.
Comment: CHD8: PP2, BP4, BP5

Blueprint Genetics
Classification: Likely benign. Last evaluated: 2024-08-26. Review status: criteria provided, single submitter. Criteria: ACMG Guidelines, 2015. Collection method: clinical testing. Allele origin: germline.

Department of Pathology and Laboratory Medicine, Sinai Health System
Classification: Uncertain significance for complex neurodevelopmental disorder. Last evaluated: 2022-04-25. Review status: criteria provided, single submitter. Criteria: ACMG Guidelines, 2015. Collection method: research. Allele origin: germline.

Ambry Genetics
Classification: Likely benign for Inborn genetic diseases. Last evaluated: 2018-06-25. Review status: criteria provided, single submitter. Criteria: Ambry Variant Classification Scheme 2023. Collection method: clinical testing. Allele origin: germline.

Breakthrough Genomics
Classification: Uncertain significance. Review status: criteria provided, single submitter. Criteria: ACMG Guidelines, 2015. Collection method: not provided. Allele origin: germline. Inheritance: Autosomal dominant inheritance. Affected: yes.